The following is an entry in ClinVar:

ClinVar aggregate classification (germline): Pathogenic/Likely pathogenic. Review status: criteria provided, multiple submitters, no conflicts (2 of 4 stars). 5 submissions from 5 submitters: Pathogenic (2); Likely pathogenic (3). Last evaluated 2024-02-28.

Conditions:
Hereditary cancer-predisposing syndrome. Also called: Hereditary neoplastic syndrome; Hereditary Cancer Syndrome; Neoplastic Syndromes, Hereditary; Tumor predisposition. Identifiers: Orphanet 140162, MedGen C0027672, MeSH D009386, MONDO:0015356.
Familial adenomatous polyposis 2. Also called: MYH-associated polyposis; COLORECTAL ADENOMATOUS POLYPOSIS, AUTOSOMAL RECESSIVE; ADENOMAS, MULTIPLE COLORECTAL, AUTOSOMAL RECESSIVE; MUTYH-related attenuated familial adenomatous polyposis; Adenomas, multiple colorectal; FAP type 2. Identifiers: Orphanet 220460, Orphanet 247798, MedGen C3272841, MONDO:0012041, OMIM 608456.

Submissions (5):

Ambry Genetics
Classification: Pathogenic for Hereditary cancer-predisposing syndrome. Last evaluated: 2024-02-28. Review status: criteria provided, single submitter. Criteria: Ambry Variant Classification Scheme 2023. Collection method: clinical testing. Allele origin: germline.
Comment: The c.508delG pathogenic mutation, located in coding exon 7 of the MUTYH gene, results from a deletion of a single nucleotide at nucleotide position 508. This changes the amino acid from a valine to a stop codon within coding exon 7 (p.V170*). This alteration is expected to result in loss of function by premature protein truncation or nonsense-mediated mRNA decay. As such, this alteration is interpreted as a disease-causing mutation.

Labcorp Genetics (formerly Invitae), Labcorp
Classification: Pathogenic for Familial adenomatous polyposis 2. Last evaluated: 2023-05-05. Review status: criteria provided, single submitter. Criteria: Invitae Variant Classification Sherloc (09022015). Collection method: clinical testing. Allele origin: germline.
Comment: For these reasons, this variant has been classified as Pathogenic. ClinVar contains an entry for this variant (Variation ID: 496103). This variant has not been reported in the literature in individuals affected with MUTYH-related conditions. This variant is not present in population databases (gnomAD no frequency). This sequence change creates a premature translational stop signal (p.Val170*) in the MUTYH gene. It is expected to result in an absent or disrupted protein product. Loss-of-function variants in MUTYH are known to be pathogenic (PMID: 18534194, 20663686).

Quest Diagnostics Nichols Institute San Juan Capistrano
Classification: Likely pathogenic. Last evaluated: 2022-12-09. Review status: criteria provided, single submitter. Criteria: Quest Diagnostics criteria. Collection method: clinical testing. Allele origin: unknown.
Comment: This nonsense variant is predicted to cause the premature termination of MUTYH protein synthesis. The variant has not been reported in individuals with MUTYH-related diseases in the published literature. It also has not been reported in large, multi-ethnic general populations. Based on the available information, this variant is classified as likely pathogenic.

Baylor Genetics
Classification: Likely pathogenic for Familial adenomatous polyposis 2. Last evaluated: 2022-07-20. Review status: criteria provided, single submitter. Criteria: ACMG Guidelines, 2015. Collection method: clinical testing. Allele origin: unknown.

Women's Health and Genetics/Laboratory Corporation of America, LabCorp
Classification: Likely pathogenic for Familial adenomatous polyposis 2. Last evaluated: 2017-04-13. Review status: criteria provided, single submitter. Criteria: LabCorp Variant Classification Summary - May 2015. Collection method: clinical testing. Allele origin: germline.
Comment: Variant summary: The MUTYH c.508delG (p.Val170X) variant results in a premature termination codon, predicted to cause a truncated or absent MUTYH protein due to nonsense mediated decay, which are commonly known mechanisms for disease. Truncations downstream of this position have been classified as pathogenic by our laboratory (e.g. c.1227_1228dupGG, p.Glu410fsX43). One in silico tool predicts a damaging outcome for this variant. This variant is absent in 121382 control chromosomes. The variant of interest has not, to our knowledge, been reported in affected individuals via publications and/or reputable databases/clinical diagnostic laboratories; nor evaluated for functional impact by in vivo/vitro studies. Taken together, this variant is classified as likely pathogenic.

Literature cited by the submitters: PubMed 18534194 (cited by Labcorp Genetics (formerly Invitae), Labcorp); PubMed 20663686 (cited by Labcorp Genetics (formerly Invitae), Labcorp).

NM_001048174.2(MUTYH):c.424del (p.Glu141_Val142insTer)

Gene: MUTYH (mutY DNA glycosylase; minus strand). Cytogenetic location: 1p34.1.
Variant type: Deletion.
Coding change: c.424del on transcript NM_001048174.2 (MANE Select); coding-DNA position 424, one base deleted (G; older notation c.424delG).
Protein change: p.Glu141_Val142insTer.
Molecular consequence: nonsense. On other transcripts: non-coding transcript variant (2).
Genome position (GRCh38, 1-based): chr1:45,332,831, C deleted on the plus strand (G on the coding strand, the reverse complement: MUTYH is on the minus strand); the first of 2 consecutive C bases (chr1:45,332,831-45,332,832); deleting either gives the same sequence. VCF-style (leftmost placement, unchanged base first): chr1-45332830-AC-A. GRCh37 (hg19) VCF-style: chr1-45798502-AC-A.
Other names: c.508delG (NM_001128425.1); c.424del, p.Glu141_Val142insTer (NM_001048171.2, NM_001048173.2, NM_001293195.2); c.427del, p.Glu142_Val143insTer (NM_001048172.2); c.508del, p.Glu169_Val170insTer (NM_001128425.2); c.469del, p.Glu156_Val157insTer (NM_001293190.2); c.457del, p.Glu152_Val153insTer (NM_001293191.2); c.148del, p.Glu49_Val50insTer (NM_001293192.2, NM_001293196.2); c.79del, p.Glu26_Val27insTer (NM_001350650.2, NM_001350651.2); and 1 more.
Identifiers: ClinVar variation 496103 (VCV000496103.14), dbSNP rs1553129062, ClinGen allele CA658683153.